The following is an entry in ClinVar:

NM_000441.2(SLC26A4):c.242dup (p.Glu82fs)

Gene: SLC26A4 (solute carrier family 26 member 4; plus strand). Cytogenetic location: 7q22.3.
Variant type: Duplication.
Coding change: c.242dup on transcript NM_000441.2 (MANE Select); coding-DNA position 242, one base duplicated (A; older notation c.242dupA).
Protein change: p.Glu82fs; shifts the reading frame from glutamic acid 82.
Molecular consequence: frameshift variant.
Genome position (GRCh38, 1-based): chr7:107,663,373, A duplicated; the last of 2 consecutive A bases (chr7:107,663,372-107,663,373); duplicating either gives the same sequence. VCF-style (leftmost placement, unchanged base first): chr7-107663371-C-CA. GRCh37 (hg19) VCF-style: chr7-107303816-C-CA.
Other names: short protein forms E82fs.
Identifiers: ClinVar variation 1992946 (VCV001992946.4), dbSNP rs2535281478, ClinGen allele CA2580076143.

ClinVar aggregate classification (germline): Pathogenic (1 of 4 stars; one submission).

Submission:

Labcorp Genetics (formerly Invitae), Labcorp
Classification: Pathogenic. Last evaluated: 2022-05-11. Review status: criteria provided, single submitter. Criteria: Invitae Variant Classification Sherloc (09022015). Collection method: clinical testing. Allele origin: germline.
Comment: For these reasons, this variant has been classified as Pathogenic. This variant has not been reported in the literature in individuals affected with SLC26A4-related conditions. This variant is not present in population databases (gnomAD no frequency). This sequence change creates a premature translational stop signal (p.Glu82Glyfs*5) in the SLC26A4 gene. It is expected to result in an absent or disrupted protein product. Loss-of-function variants in SLC26A4 are known to be pathogenic (PMID: 16283880, 25394566, 26252218, 26445815).

Literature cited by the submitters: PubMed 16283880; PubMed 25394566; PubMed 26252218; PubMed 26445815.